The following is an entry in ClinVar:

NM_002887.4(RARS1):c.1826C>G (p.Thr609Arg)

Gene: RARS1 (arginyl-tRNA synthetase 1; plus strand). Cytogenetic location: 5q34.
Variant type: single nucleotide variant.
Coding change: c.1826C>G on transcript NM_002887.4 (MANE Select); coding-DNA position 1826, C replaced by G.
Protein change: p.Thr609Arg; replaces threonine 609 with arginine.
Molecular consequence: missense variant.
Genome position (GRCh38, 1-based): chr5:168,518,015, C>G. VCF-style: chr5-168518015-C-G. GRCh37 (hg19) VCF-style: chr5-167945020-C-G.
Other names: short protein forms T609R.
Identifiers: ClinVar variation 3359344 (VCV003359344.1).

ClinVar aggregate classification (germline): Uncertain significance (1 of 4 stars; one submission).

Submission:

GeneDx
Classification: Uncertain significance. Last evaluated: 2023-06-01. Review status: criteria provided, single submitter. Criteria: GeneDx Variant Classification Process June 2021. Collection method: clinical testing. Allele origin: germline. Affected: yes.
Comment: Not observed at significant frequency in large population cohorts (gnomAD); In silico analysis supports that this missense variant has a deleterious effect on protein structure/function; Has not been previously published as pathogenic or benign to our knowledge